The following is an entry in ClinVar:

NM_000117.3(EMD):c.718TTC[1] (p.Phe241del)

Gene: EMD (emerin; plus strand). Cytogenetic location: Xq28.
Variant type: Microsatellite.
Coding change: c.718TTC[1] on transcript NM_000117.3 (MANE Select); one copy of the 3-base unit TTC starting at c.718; the reference has two copies in a row; one copy, 3 bases deleted.
Protein change: p.Phe241del; deletes phenylalanine 241.
Molecular consequence: inframe deletion.
Genome position (GRCh38, 1-based): chrX:154,381,153-154,381,155, TTC deleted; deleting any 3 consecutive bases within chrX:154,381,148-154,381,155 gives the same sequence; the position shown is the placement nearest the transcript's 3' end. VCF-style (leftmost placement, unchanged base first): chrX-154381147-CTCT-C. GRCh37 (hg19) VCF-style: chrX-153609507-CTCT-C.
Other names: short protein forms F241del.
Identifiers: ClinVar variation 1499662 (VCV001499662.7), dbSNP rs2148129019, ClinGen allele CA2580612326.

ClinVar aggregate classification (germline): Uncertain significance (1 of 4 stars; one submission).

Conditions:
X-linked Emery-Dreifuss muscular dystrophy. Also called: Muscular dystrophy, tardive Emery-Dreifuss type, with contractures. Identifiers: Orphanet 261, Orphanet 98863, MedGen C0751337, MONDO:0010680.

Submission:

Labcorp Genetics (formerly Invitae), Labcorp
Classification: Uncertain significance for X-linked Emery-Dreifuss muscular dystrophy. Last evaluated: 2024-08-15. Review status: criteria provided, single submitter. Criteria: Invitae Variant Classification Sherloc (09022015). Collection method: clinical testing. Allele origin: germline.
Comment: This variant, c.721_723del, results in the deletion of 1 amino acid(s) of the EMD protein (p.Phe241del), but otherwise preserves the integrity of the reading frame. This variant is not present in population databases (gnomAD no frequency). This variant has not been reported in the literature in individuals affected with EMD-related conditions. Experimental studies and prediction algorithms are not available or were not evaluated, and the functional significance of this variant is currently unknown. In summary, the available evidence is currently insufficient to determine the role of this variant in disease. Therefore, it has been classified as a Variant of Uncertain Significance.